The following is an entry in ClinVar:

NM_004655.4(AXIN2):c.354G>A (p.Arg118=)

Gene: AXIN2 (axin 2; minus strand). Cytogenetic location: 17q24.1.
Variant type: single nucleotide variant.
Coding change: c.354G>A on transcript NM_004655.4 (MANE Select); coding-DNA position 354, G replaced by A.
Protein change: p.Arg118=; no amino-acid change (arginine 118 retained).
Molecular consequence: synonymous variant.
Genome position (GRCh38, 1-based): chr17:65,558,267, C>T on the plus strand (G>A on the coding strand, the complement: AXIN2 is on the minus strand). VCF-style: chr17-65558267-C-T. GRCh37 (hg19) VCF-style: chr17-63554385-C-T.
Other names: c.354G>A, p.Arg118= (NM_001363813.1).
Identifiers: ClinVar variation 1732578 (VCV001732578.6), dbSNP rs1567769132, ClinGen allele CA501691893.
Genomic context (GRCh38, chr17:65,558,267, plus strand): 5'-GTACCTTTTGTAGATCGCTTTGGCTACTCGTAAAGTTTTGGTATCCTTCAGGTTCATCTG[C>T]CTGAATCCATTGCAGGCAAACCAGAAGTCTAAGGTATCCACGCATTTCTCCCTCTCCAGG-3'
Protein context (NP_004646.3, residues 108-128): LDFWFACNGF[Arg118=]QMNLKDTKTL

ClinVar aggregate classification (germline): Benign/Likely benign. Review status: criteria provided, multiple submitters, no conflicts (2 of 4 stars). 3 submissions from 3 submitters: Benign (1); Likely benign (2). Last evaluated 2024-06-26.

Conditions:
Hereditary cancer-predisposing syndrome. Also called: Neoplastic Syndromes, Hereditary; Tumor predisposition; Hereditary Cancer Syndrome; Hereditary neoplastic syndrome. Identifiers: Orphanet 140162, MedGen C0027672, MeSH D009386, MONDO:0015356.
Oligodontia-cancer predisposition syndrome. Also called: TOOTH AGENESIS-COLORECTAL CANCER SYNDROME. Identifiers: Orphanet 300576, MedGen C1837750, MONDO:0012075, OMIM 608615. Disease mechanism: loss of function.

Allele frequency attached by ClinVar (database versions not stated): gnomAD exomes below 0.00001.
gnomAD v4.1: 4 of 1,614,136 alleles (0.00025%); highest among the groups gnomAD compares: Non-Finnish European, 0.00025%; no homozygotes.

Submissions (3):

Myriad Genetics, Inc.
Classification: Benign for Oligodontia-cancer predisposition syndrome. Last evaluated: 2024-06-26. Review status: criteria provided, single submitter. Criteria: Myriad Autosomal Dominant, Autosomal Recessive and X-Linked Classification Criteria (2023). Collection method: clinical testing. Allele origin: unknown.
Comment: This variant is considered benign. This variant is a silent/synonymous amino acid change and it is not expected to impact splicing.

Labcorp Genetics (formerly Invitae), Labcorp
Classification: Likely benign for Oligodontia-cancer predisposition syndrome. Last evaluated: 2024-05-07. Review status: criteria provided, single submitter. Criteria: Invitae Variant Classification Sherloc (09022015). Collection method: clinical testing. Allele origin: germline.

Ambry Genetics
Classification: Likely benign for Hereditary cancer-predisposing syndrome. Last evaluated: 2019-12-11. Review status: criteria provided, single submitter. Criteria: Ambry Variant Classification Scheme 2023. Collection method: clinical testing. Allele origin: germline.